The following is an entry in ClinVar:

ClinVar aggregate classification (germline): Conflicting classifications of pathogenicity. Review status: criteria provided, conflicting classifications (1 of 4 stars). 3 submissions from 3 submitters: Likely pathogenic (1); Uncertain significance (1). 1 of the submissions does not count toward it. Last evaluated 2024-05-11.

Conditions:
Lysinuric protein intolerance (LPI). Identifiers: Orphanet 470, MedGen C0268647, MONDO:0009109, OMIM 222700.

Allele frequency attached by ClinVar (database versions not stated): gnomAD exomes below 0.00001; gnomAD 0.00001.
gnomAD v4.1: 5 of 1,613,686 alleles (0.00031%); highest among the groups gnomAD compares: African/African-American, 0.0013%; no homozygotes.

Submissions (3):

Fulgent Genetics
Classification: Likely pathogenic for Lysinuric protein intolerance. Last evaluated: 2024-05-11. Review status: criteria provided, single submitter. Criteria: ACMG Guidelines, 2015. Collection method: clinical testing. Allele origin: germline.

Women's Health and Genetics/Laboratory Corporation of America, LabCorp
Classification: Uncertain significance. Last evaluated: 2024-05-07. Review status: criteria provided, single submitter. Criteria: LabCorp Variant Classification Summary - May 2015. Collection method: clinical testing. Allele origin: germline.
Comment: Variant summary: SLC7A7 c.158C>T (p.Ser53Leu) results in a non-conservative amino acid change in the encoded protein sequence. Five of five in-silico tools predict a damaging effect of the variant on protein function. The variant was absent in 250970 control chromosomes. c.158C>T has been reported in the literature in individuals affected with Lysinuric Protein Intolerance (Sperandeo_2008, Bijarnia-Mahay_2016). These data indicate that the variant may be associated with disease. To our knowledge, no experimental evidence demonstrating an impact on protein function has been reported. The following publications have been ascertained in the context of this evaluation (PMID: 27567650, 17764084). ClinVar contains an entry for this variant (Variation ID: 56345). Based on the evidence outlined above, the variant was classified as VUS-possibly pathogenic.

Juha Muilu Group; Institute for Molecular Medicine Finland (FIMM)
Classification: Likely pathogenic for Lysinuric protein intolerance. Review status: no assertion criteria provided. Collection method: not provided. Allele origin: unknown. Not counted in ClinVar's aggregate classification.
Comment: FinDis database variant: This variant was not found or characterized by our laboratory, data were collected from public sources: see reference
ClinVar note: Converted during submission from probable-pathogenic to Likely pathogenic.

Literature cited by the submitters: PubMed 17764084 (cited by Women's Health and Genetics/Laboratory Corporation of America, LabCorp); PubMed 27567650 (cited by Women's Health and Genetics/Laboratory Corporation of America, LabCorp).

NM_001126105.2(SLC7A7):c.158C>T (p.Ser53Leu)

Gene: SLC7A7 (solute carrier family 7 member 7; minus strand). Cytogenetic location: 14q11.2.
Variant type: single nucleotide variant.
Coding change: c.158C>T on transcript NM_001126105.2; coding-DNA position 158, C replaced by T.
Protein change: p.Ser53Leu; replaces serine 53 with leucine.
Molecular consequence: missense variant (on NM_003982.4).
Genome position (GRCh38, 1-based): chr14:22,813,241, G>A on the plus strand (C>T on the coding strand, the complement: SLC7A7 is on the minus strand). VCF-style: chr14-22813241-G-A. GRCh37 (hg19) VCF-style: chr14-23282450-G-A.
Other names: c.158C>T, p.Ser53Leu (NM_001126105.3, NM_001126106.4, NM_003982.4); short protein forms S53L.
Identifiers: ClinVar variation 56345 (VCV000056345.4), dbSNP rs386833793, ClinGen allele CA263752.